The following is an entry in ClinVar:

NM_024334.3(TMEM43):c.348del (p.Arg117fs)

Gene: TMEM43 (transmembrane protein 43; plus strand). Cytogenetic location: 3p25.1.
Variant type: Deletion.
Coding change: c.348del on transcript NM_024334.3 (MANE Select); coding-DNA position 348, one base deleted (G; older notation c.348delG).
Protein change: p.Arg117fs; shifts the reading frame from arginine 117.
Molecular consequence: frameshift variant.
Genome position (GRCh38, 1-based): chr3:14,131,630, G deleted; the last of 2 consecutive G bases (chr3:14,131,629-14,131,630); deleting either gives the same sequence. VCF-style (leftmost placement, unchanged base first): chr3-14131628-CG-C. GRCh37 (hg19) VCF-style: chr3-14173128-CG-C.
Other names: short protein forms R117fs.
Identifiers: ClinVar variation 1371681 (VCV001371681.8), dbSNP rs2124987856, ClinGen allele CA2573136045.

ClinVar aggregate classification (germline): Uncertain significance. Review status: criteria provided, multiple submitters, no conflicts (2 of 4 stars). 2 submissions from 2 submitters: Uncertain significance (2). Last evaluated 2026-01-12.

Conditions:
Cardiovascular phenotype. Identifiers: MedGen CN230736.
Arrhythmogenic right ventricular dysplasia 5. Also called: ARRHYTHMOGENIC RIGHT VENTRICULAR DYSPLASIA, FAMILIAL, 5; Arrhythmogenic Right Ventricular Dysplasia/Cardiomyopathy 5. Identifiers: MedGen C1858379, MONDO:0011459, OMIM 604400.

Submissions (2):

Labcorp Genetics (formerly Invitae), Labcorp
Classification: Uncertain significance for Arrhythmogenic right ventricular dysplasia 5. Last evaluated: 2026-01-12. Review status: criteria provided, single submitter. Criteria: Invitae Variant Classification Sherloc (09022015). Collection method: clinical testing. Allele origin: germline.
Comment: This sequence change creates a premature translational stop signal (p.Arg117Glyfs*9) in the TMEM43 gene. It is expected to result in an absent or disrupted protein product. However, the current clinical and genetic evidence is not sufficient to establish whether loss-of-function variants in TMEM43 cause disease. This variant is not present in population databases (gnomAD no frequency). This variant has not been reported in the literature in individuals affected with TMEM43-related conditions. ClinVar contains an entry for this variant (Variation ID: 1371681). Algorithms developed to predict the effect of sequence changes on RNA splicing suggest that this variant may disrupt the consensus splice site. In summary, the available evidence is currently insufficient to determine the role of this variant in disease. Therefore, it has been classified as a Variant of Uncertain Significance.

Ambry Genetics
Classification: Uncertain significance for Cardiovascular phenotype. Last evaluated: 2019-06-07. Review status: criteria provided, single submitter. Criteria: Ambry Variant Classification Scheme 2023. Collection method: clinical testing. Allele origin: germline.
Comment: The c.348delG variant, located in coding exon 4 of the TMEM43 gene, results from a deletion of one nucleotide at nucleotide position 348, causing a translational frameshift with a predicted alternate stop codon (p.R117Gfs*9). This alteration is expected to result in loss of function by premature protein truncation or nonsense-mediated mRNA decay. However, loss of function of TMEM43 has not been clearly established as a mechanism of disease. Since supporting evidence is limited at this time, the clinical significance of this alteration remains unclear.